The following is an entry in ClinVar:

NM_032830.3(UTP4):c.1348A>G (p.Thr450Ala)

Gene: UTP4 (UTP4 small subunit processome component). Cytogenetic location: 16q22.1.
Variant type: single nucleotide variant.
Coding change: c.1348A>G on transcript NM_032830.3 (MANE Select); coding-DNA position 1348, A replaced by G.
Protein change: p.Thr450Ala; replaces threonine 450 with alanine.
Molecular consequence: missense variant.
Genome position (GRCh38, 1-based): chr16:69,157,144, A>G. VCF-style: chr16-69157144-A-G. GRCh37 (hg19) VCF-style: chr16-69191047-A-G.
Other names: c.1099A>G, p.Thr367Ala (NM_001318391.2); short protein forms T367A, T450A.
Identifiers: ClinVar variation 3352480 (VCV003352480.1).
Genomic context (GRCh38, chr16:69,157,144, plus strand): 5'-GTTTCCAAAATGCCAGCATTCCTTCGCTCTGCCCTTCAGATTTTGTTTTCTGAAGATTCA[A>G]CAAAGCTCTTTGTAGCATCAAATCAAGGAGCTCTGCATATTGTTCAGCTGTCAGGAGGAA-3'
Protein context (NP_116219.2, residues 440-460): ALQILFSEDS[Thr450Ala]KLFVASNQGA

ClinVar aggregate classification (germline): Uncertain significance (0 of 4 stars; one submission).

Conditions:
UTP4-related disorder. Also called: UTP4-related condition.

gnomAD v4.1: 23 of 1,614,086 alleles (0.0014%); highest among the groups gnomAD compares: African/African-American, 0.012%; no homozygotes.

Submission:

PreventionGenetics, part of Exact Sciences
Classification: Uncertain significance for UTP4-related condition. Last evaluated: 2024-05-14. Review status: no assertion criteria provided. Collection method: clinical testing. Allele origin: germline.
Comment: The UTP4 c.1348A>G variant is predicted to result in the amino acid substitution p.Thr450Ala. To our knowledge, this variant has not been reported in the literature. This variant is reported in 0.031% of alleles in individuals of African descent in gnomAD. At this time, the clinical significance of this variant is uncertain due to the absence of conclusive functional and genetic evidence.